The following is an entry in ClinVar:

NM_001003694.2(BRPF1):c.3020_3021insGA (p.Glu1008fs)

Gene: BRPF1 (bromodomain and PHD finger containing 1; plus strand). Cytogenetic location: 3p25.3.
Variant type: Insertion.
Coding change: c.3020_3021insGA on transcript NM_001003694.2 (MANE Select); coding-DNA positions 3020 to 3021, GA inserted.
Protein change: p.Glu1008fs; shifts the reading frame from glutamic acid 1008.
Molecular consequence: frameshift variant. On other transcripts: non-coding transcript variant (1).
Genome position: GRCh38 VCF-style: chr3-9745107-C-CGA. GRCh37 (hg19) VCF-style: chr3-9786791-C-CGA.
Other names: c.2717_2718insGA, p.Glu907fs (NM_001319049.2); c.2999_3000insGA, p.Glu1001fs (NM_001319050.2); c.3017_3018insGA, p.Glu1007fs (NM_001410704.1); c.3002_3003insGA, p.Glu1002fs (NM_004634.3); short protein forms E1001fs, E1002fs, E1007fs, E1008fs, E907fs.
Identifiers: ClinVar variation 2637292 (VCV002637292.1), dbSNP rs2471511294, ClinGen allele CA2695197732.

ClinVar aggregate classification (germline): Likely pathogenic (1 of 4 stars; one submission).

Conditions:
BRPF1-related disorder. Also called: BRPF1-related condition.

Submission:

PreventionGenetics, part of Exact Sciences
Classification: Likely pathogenic for BRPF1-related condition. Last evaluated: 2022-10-25. Review status: criteria provided, single submitter. Criteria: ACMG Guidelines, 2015. Collection method: clinical testing. Allele origin: germline.
Comment: The BRPF1 c.3020_3021insGA variant is predicted to result in a frameshift and premature protein termination (p.Glu1008Metfs*64). To our knowledge, this variant has not been reported in the literature or in a large population database, indicating this variant is rare. Frameshift variants in BRPF1 are expected to be pathogenic. Pathogenic protein chain terminating variants have been reported upstream and downstream of this variant, providing further evidence of pathogenicity for this variant. This variant is interpreted as likely pathogenic.